The following is an entry in ClinVar:

NM_000260.4(MYO7A):c.5209A>G (p.Lys1737Glu)

Gene: MYO7A (myosin VIIA; plus strand). Cytogenetic location: 11q13.5.
Variant type: single nucleotide variant.
Coding change: c.5209A>G on transcript NM_000260.4 (MANE Select); coding-DNA position 5209, A replaced by G.
Protein change: p.Lys1737Glu; replaces lysine 1737 with glutamic acid.
Molecular consequence: missense variant.
Genome position (GRCh38, 1-based): chr11:77,203,100, A>G. VCF-style: chr11-77203100-A-G. GRCh37 (hg19) VCF-style: chr11-76914145-A-G.
Other names: c.5095A>G, p.Lys1699Glu (NM_001127180.2); c.5062A>G, p.Lys1688Glu (NM_001369365.1); c.5209A>G (NM_000260.3); short protein forms K1699E, K1737E, K1688E.
Identifiers: ClinVar variation 1501655 (VCV001501655.7), dbSNP rs1591474980, ClinGen allele CA381952099.

ClinVar aggregate classification (germline): Uncertain significance. Review status: criteria provided, multiple submitters, no conflicts (2 of 4 stars). 2 submissions from 2 submitters: Uncertain significance (2). Last evaluated 2026-06-17.

Conditions:
Inborn genetic diseases. Identifiers: MedGen C0950123, MeSH D030342.

Submissions (2):

Ambry Genetics
Classification: Uncertain significance for Inborn genetic diseases. Last evaluated: 2026-06-17. Review status: criteria provided, single submitter. Criteria: Ambry Variant Classification Scheme 2023. Collection method: clinical testing. Allele origin: germline.

Labcorp Genetics (formerly Invitae), Labcorp
Classification: Uncertain significance. Last evaluated: 2021-10-11. Review status: criteria provided, single submitter. Criteria: Invitae Variant Classification Sherloc (09022015). Collection method: clinical testing. Allele origin: germline.
Comment: In summary, the available evidence is currently insufficient to determine the role of this variant in disease. Therefore, it has been classified as a Variant of Uncertain Significance. Advanced modeling of protein sequence and biophysical properties (such as structural, functional, and spatial information, amino acid conservation, physicochemical variation, residue mobility, and thermodynamic stability) performed at Invitae indicates that this missense variant is not expected to disrupt MYO7A protein function. This variant has not been reported in the literature in individuals with MYO7A-related conditions. This variant is not present in population databases (ExAC no frequency). This sequence change replaces lysine with glutamic acid at codon 1737 of the MYO7A protein (p.Lys1737Glu). The lysine residue is moderately conserved and there is a small physicochemical difference between lysine and glutamic acid.